The following is an entry in ClinVar:

NM_001267550.2(TTN):c.49533-1G>C

Genes: TTN (titin; minus strand), TTN-AS1 (TTN antisense RNA 1; plus strand). Cytogenetic location: 2q31.2.
Variant type: single nucleotide variant.
Coding change: c.49533-1G>C on transcript NM_001267550.2 (MANE Select); the canonical splice acceptor site of the intron before coding-DNA position 49533, G replaced by C.
Molecular consequence: splice acceptor variant.
Genome position (GRCh38, 1-based): chr2:178,613,277, C>G on the plus strand (G>C on the coding strand, the complement: TTN is on the minus strand). VCF-style: chr2-178613277-C-G. GRCh37 (hg19) VCF-style: chr2-179478004-C-G.
Other names: c.22338-1G>C (NM_003319.4); c.22914-1G>C (NM_133437.4); c.22713-1G>C (NM_133432.3); c.41829-1G>C (NM_133378.4); c.44610-1G>C (NM_001256850.1).
Identifiers: ClinVar variation 2129197 (VCV002129197.4), dbSNP rs2470583786, ClinGen allele CA349602502.
Genomic context (GRCh38, chr2:178,613,277, plus strand): 5'-GCAAGATTTTCAGCCAACACACGGAATCTGTATTTTTTCTTATTAGTGAGACCTTTCACT[C>G]TGAATTAGGAACAAAGTGCATGTGTATCATCATGGTAAGAAGCAGAAGAAGCCTATGTTT-3'

ClinVar aggregate classification (germline): Likely pathogenic (1 of 4 stars; one submission).

Conditions:
Dilated cardiomyopathy 1G (CMD1G). Identifiers: Orphanet 154, MedGen C1858763, MONDO:0011400, OMIM 604145.
Autosomal recessive limb-girdle muscular dystrophy type 2J (LGMDR10). Also called: Limb-girdle muscular dystrophy, type 2J; MUSCULAR DYSTROPHY, LIMB-GIRDLE, AUTOSOMAL RECESSIVE 10. Identifiers: Orphanet 140922, MedGen C1837342, MONDO:0012127, OMIM 608807.

Submission:

Labcorp Genetics (formerly Invitae), Labcorp
Classification: Likely pathogenic for Dilated cardiomyopathy 1G; Autosomal recessive limb-girdle muscular dystrophy type 2J. Last evaluated: 2022-04-22. Review status: criteria provided, single submitter. Criteria: Invitae Variant Classification Sherloc (09022015). Collection method: clinical testing. Allele origin: germline.
Comment: This variant is located in the A band of TTN (PMID: 25589632). Truncating variants in this region are significantly overrepresented in patients affected with dilated cardiomyopathy (PMID: 25589632). Truncating variants in this region have also been reported in individuals affected with autosomal recessive centronuclear myopathy (PMID: 23975875). In summary, the currently available evidence indicates that the variant is pathogenic, but additional data are needed to prove that conclusively. Therefore, this variant has been classified as Likely Pathogenic. Algorithms developed to predict the effect of sequence changes on RNA splicing suggest that this variant may disrupt the consensus splice site. This variant has not been reported in the literature in individuals affected with TTN-related conditions. This variant is not present in population databases (gnomAD no frequency). This sequence change affects an acceptor splice site in intron 263 of the TTN gene. It is expected to disrupt RNA splicing and likely results in a truncated or disrupted TTN protein.

Literature cited by the submitters: PubMed 25589632; PubMed 23975875.